The following is an entry in ClinVar:

ClinVar aggregate classification (germline): Uncertain significance (1 of 4 stars; one submission).

Submission:

GeneDx
Classification: Uncertain significance. Last evaluated: 2024-11-06. Review status: criteria provided, single submitter. Criteria: GeneDx Variant Classification Process June 2021. Collection method: clinical testing. Allele origin: germline. Affected: yes.
Comment: Not observed at significant frequency in large population cohorts (gnomAD); In-frame deletion of 1 amino acid in a non-repeat region; In silico analysis supports a deleterious effect on protein structure/function; Has not been previously published as pathogenic or benign to our knowledge

NM_006035.4(CDC42BPB):c.2319_2321del (p.Asn773del)

Gene: CDC42BPB (CDC42 binding protein kinase beta; minus strand). Cytogenetic location: 14q32.32.
Variant type: Deletion.
Coding change: c.2319_2321del on transcript NM_006035.4 (MANE Select); coding-DNA positions 2319 to 2321, 3 bases deleted (CAA; older notation c.2319_2321delCAA).
Protein change: p.Asn773del; deletes asparagine 773.
Molecular consequence: inframe deletion.
Genome position (GRCh38, 1-based): chr14:102,968,278-102,968,280, TTG deleted on the plus strand (CAA on the coding strand, the reverse complement: CDC42BPB is on the minus strand); deleting any 3 consecutive bases within chr14:102,968,278-102,968,282 gives the same sequence; the c. name uses the placement nearest the transcript's 3' end. VCF-style (leftmost placement, unchanged base first): chr14-102968277-CTTG-C. GRCh37 (hg19) VCF-style: chr14-103434614-CTTG-C.
Other names: c.2319_2321del, p.Asn773del (NM_001411054.1); short protein forms N773del.
Identifiers: ClinVar variation 3899113 (VCV003899113.1).